The following is an entry in ClinVar:

ClinVar aggregate classification (germline): Uncertain significance (1 of 4 stars; one submission).

Conditions:
Hereditary cancer-predisposing syndrome. Also called: Tumor predisposition; Hereditary Cancer Syndrome; Neoplastic Syndromes, Hereditary; Hereditary neoplastic syndrome. Identifiers: Orphanet 140162, MedGen C0027672, MeSH D009386, MONDO:0015356.

Submission:

Ambry Genetics
Classification: Uncertain significance for Hereditary cancer-predisposing syndrome. Last evaluated: 2022-03-01. Review status: criteria provided, single submitter. Criteria: Ambry Variant Classification Scheme 2023. Collection method: clinical testing. Allele origin: germline.
Comment: The p.K369E variant (also known as c.1105A>G), located in coding exon 11 of the FANCC gene, results from an A to G substitution at nucleotide position 1105. The lysine at codon 369 is replaced by glutamic acid, an amino acid with similar properties. This amino acid position is conserved. In addition, this alteration is predicted to be tolerated by in silico analysis. Since supporting evidence is limited at this time, the clinical significance of this alteration remains unclear.

NM_000136.3(FANCC):c.1105A>G (p.Lys369Glu)

Genes: AOPEP (aminopeptidase O (putative); plus strand), FANCC (FA complementation group C; minus strand). Cytogenetic location: 9q22.32.
Variant type: single nucleotide variant.
Coding change: c.1105A>G on transcript NM_000136.3 (MANE Select); coding-DNA position 1105, A replaced by G.
Protein change: p.Lys369Glu; replaces lysine 369 with glutamic acid.
Molecular consequence: missense variant.
Genome position (GRCh38, 1-based): chr9:95,114,678, T>C on the plus strand (A>G on the coding strand, the complement: FANCC is on the minus strand). VCF-style: chr9-95114678-T-C. GRCh37 (hg19) VCF-style: chr9-97876960-T-C.
Other names: c.1105A>G, p.Lys369Glu (NM_001243743.2, NM_001243744.2); short protein forms K369E.
Identifiers: ClinVar variation 1793527 (VCV001793527.2), dbSNP rs2540948349, ClinGen allele CA374108012.